The following is an entry in ClinVar:

NM_182476.3(COQ6):c.1211-7C>T

Genes: COQ6 (coenzyme Q6, monooxygenase; plus strand), ENTPD5 (ectonucleoside triphosphate diphosphohydrolase 5; minus strand). Cytogenetic location: 14q24.3.
Variant type: single nucleotide variant.
Coding change: c.1211-7C>T on transcript NM_182476.3 (MANE Select); 7 bases into the intron before coding-DNA position 1211, C replaced by T.
Molecular consequence: intron variant.
Genome position (GRCh38, 1-based): chr14:73,961,730, C>T. VCF-style: chr14-73961730-C-T. GRCh37 (hg19) VCF-style: chr14-74428433-C-T.
Other names: c.1028-7C>T (NM_001425258.1); c.986-7C>T (NM_001425259.1, NM_001425261.1, NM_001425260.1); c.1136-7C>T (NM_182480.3); c.884-7C>T (NM_001425263.1); c.1210+160C>T (NM_001425255.1); c.1103-7C>T (NM_001425256.1); c.671-7C>T (NM_001425265.1, NM_001425264.1); c.956-7C>T (NM_001425262.1); and 5 more.
Identifiers: ClinVar variation 507686 (VCV000507686.3), dbSNP rs1555358847, ClinGen allele CA658798228.

ClinVar aggregate classification (germline): Likely benign (1 of 4 stars; one submission).

gnomAD v4.1: 1 of 1,614,078 alleles (0.000062%); highest among the groups gnomAD compares: Non-Finnish European, 0.000085%; no homozygotes.

Submission:

GeneDx
Classification: Likely benign. Last evaluated: 2017-03-08. Review status: criteria provided, single submitter. Criteria: GeneDx Variant Classification (06012015). Collection method: clinical testing. Allele origin: germline. Affected: yes.
Comment: This variant is considered likely benign or benign based on one or more of the following criteria: it is a conservative change, it occurs at a poorly conserved position in the protein, it is predicted to be benign by multiple in silico algorithms, and/or has population frequency not consistent with disease.